The following is an entry in ClinVar:

NM_000218.3(KCNQ1):c.386+16221C>A

Gene: KCNQ1 (potassium voltage-gated channel subfamily Q member 1; plus strand). Cytogenetic location: 11p15.5.
Variant type: single nucleotide variant.
Coding change: c.386+16221C>A on transcript NM_000218.3 (MANE Select); 16221 bases into the intron after coding-DNA position 386, C replaced by A.
Molecular consequence: intron variant.
Genome position (GRCh38, 1-based): chr11:2,461,705, C>A. VCF-style: chr11-2461705-C-A. GRCh37 (hg19) VCF-style: chr11-2482935-C-A.
Other names: c.-5C>A (NM_181798.2).
Identifiers: ClinVar variation 1302477 (VCV001302477.4), dbSNP rs529718749, ClinGen allele CA2573053481.

ClinVar aggregate classification (germline): Uncertain significance (1 of 4 stars; one submission).

gnomAD v4.1: 10 of 1,367,072 alleles (0.00073%); highest among the groups gnomAD compares: Non-Finnish European, 0.00098%; no homozygotes.

Submission:

GeneDx
Classification: Uncertain significance. Last evaluated: 2019-05-10. Review status: criteria provided, single submitter. Criteria: GeneDx Variant Classification Process June 2021. Collection method: clinical testing. Allele origin: germline. Affected: yes.
Comment: Has not been previously published as pathogenic or benign to our knowledge; Not observed in large population cohorts (Lek et al., 2016); Nucleotide substitution has no predicted effect on splicing and is not conserved across species; No other variants in this region have been reported in association with LQTS (Stenson et al., 2014)